The following is an entry in ClinVar:

ClinVar aggregate classification (germline): Uncertain significance (1 of 4 stars; one submission).

Submission:

GeneDx
Classification: Uncertain significance. Last evaluated: 2024-10-04. Review status: criteria provided, single submitter. Criteria: GeneDx Variant Classification Process June 2021. Collection method: clinical testing. Allele origin: germline. Affected: yes.
Comment: Not observed at significant frequency in large population cohorts (gnomAD); In silico analysis supports that this missense variant has a deleterious effect on protein structure/function; In silico analysis is inconclusive as to whether the variant alters gene splicing. In the absence of RNA/functional studies, the actual effect of this sequence change is unknown.; Has not been previously published as pathogenic or benign to our knowledge

NM_001367873.1(SOX6):c.1966G>C (p.Gly656Arg)

Gene: SOX6 (SRY-box transcription factor 6; minus strand). Cytogenetic location: 11p15.2.
Variant type: single nucleotide variant.
Coding change: c.1966G>C on transcript NM_001367873.1 (MANE Select); coding-DNA position 1966, G replaced by C.
Protein change: p.Gly656Arg; replaces glycine 656 with arginine.
Molecular consequence: missense variant.
Genome position (GRCh38, 1-based): chr11:15,988,997, C>G on the plus strand (G>C on the coding strand, the complement: SOX6 is on the minus strand). VCF-style: chr11-15988997-C-G. GRCh37 (hg19) VCF-style: chr11-16010543-C-G.
Other names: c.1885G>C, p.Gly629Arg (NM_001145811.2, NM_017508.3); c.1966G>C, p.Gly656Arg (NM_001145819.2); c.1843G>C, p.Gly615Arg (NM_001367872.1); c.1906G>C, p.Gly636Arg (NM_033326.3); short protein forms G615R, G629R, G636R, G656R.
Identifiers: ClinVar variation 3776630 (VCV003776630.1).